The following is an entry in ClinVar:

ClinVar aggregate classification (germline): Benign. Review status: reviewed by expert panel (3 of 4 stars). 21 submissions from 21 submitters: Benign (1). 20 of the submissions do not count toward it. Last evaluated 2023-04-05.

Conditions:
PALB2-related disorder. Also called: PALB2-related condition; PALB2-related disorders.
PALB2-related cancer predisposition. Identifiers: MedGen CN377761, MONDO:0700272.
Hereditary cancer-predisposing syndrome. Also called: Hereditary neoplastic syndrome; Tumor predisposition; Neoplastic Syndromes, Hereditary; Hereditary Cancer Syndrome. Identifiers: Orphanet 140162, MedGen C0027672, MeSH D009386, MONDO:0015356.
Hereditary breast ovarian cancer syndrome. Also called: Hereditary breast and ovarian cancer syndrome; Breast and ovarian cancer; Hereditary breast and ovarian cancer syndrome (HBOC); BRCA1- and BRCA2-Associated Hereditary Breast and Ovarian Cancer; Hereditary breast and ovarian cancer; Hereditary breast and/or ovarian cancer syndrome. Identifiers: Orphanet 145, MedGen C0677776, MeSH D061325, MONDO:0003582. Disease mechanism: loss of function.
Familial cancer of breast. Also called: hereditary breast carcinoma; Hereditary breast cancer; BREAST CANCER, FAMILIAL. Identifiers: Orphanet 227535, MedGen C0346153, MONDO:0016419, OMIM 114480. Disease mechanism: loss of function.
Fanconi anemia complementation group N. Also called: PALB2-Related Fanconi Anemia. Identifiers: Orphanet 84, MedGen C1835817, MONDO:0012565, OMIM 610832. Disease mechanism: loss of function.
Malignant tumor of breast. Also called: Malignant breast neoplasm; Cancer breast. Identifiers: MedGen C0006142, MONDO:0007254. Disease mechanism: loss of function.

Allele frequency attached by ClinVar (database versions not stated): gnomAD 0.00016 and 0.00019; ExAC 0.00030; TOPMed 0.00037; gnomAD exomes 0.00038; 1000 Genomes Project 30x 0.00078; 1000 Genomes Project 0.00080.
gnomAD v4.1: 214 of 1,614,106 alleles (0.013%); highest among the groups gnomAD compares: East Asian, 0.42%; no homozygotes.

Submissions 1 to 15 of 21:

ClinGen Hereditary Breast, Ovarian and Pancreatic Cancer Variant Curation Expert Panel, ClinGen
Classification: Benign for PALB2-related cancer predisposition. Last evaluated: 2023-04-05. Review status: reviewed by expert panel. Criteria: ClinGen HBOP VCEP ACMG Specifications PALB2 V1.0.0. Collection method: curation. Allele origin: germline. Inheritance: Autosomal dominant inheritance.
Comment: The c.3054G>C variant in PALB2 is a missense variant predicted to cause substitution of glutamate by aspartate at amino acid 1018 (p.Glu1018Asp). The filtering allele frequency in gnomAD v2.1.1 is 0.004 in the East Asian population, which is higher than the ClinGen HBOP threshold (>0.001) for BA1, and therefore meets this criterion. This variant has been observed in a homozygous state and phase unknown with numerous other PALB2 variants that are tentatively classified as likely pathogenic or pathogenic by the HBOP VCEP in individuals without Fanconi Anemia (GeneDx, Ambry Genetics, Invitae). This variant is functional in multiple different protein assays (PMID 31757951); however due to a lack of positive missense controls with known clinical impact, these protein assays do not meet the requirements for use by the HBOP VCEP. PALB2, in which the variant was identified, is defined by the HBOP VCEP as a gene for which primarily truncating variants are known to cause disease. In summary, this variant meets the criteria to be classified as benign for autosomal dominant hereditary breast and pancreatic cancer and autosomal recessive FANCN based on the ACMG/AMP criteria applied, as specified by the HBOP VCEP. (BA1, BP2_Moderate, BP1)

Labcorp Genetics (formerly Invitae), Labcorp
Classification: Benign for Familial cancer of breast. Last evaluated: 2026-02-03. Review status: criteria provided, single submitter. Criteria: Invitae Variant Classification Sherloc (09022015). Collection method: clinical testing. Allele origin: germline. Not counted in ClinVar's aggregate classification.

Center for Genomic Medicine, Rigshospitalet, Copenhagen University Hospital
Classification: Likely benign. Last evaluated: 2025-03-04. Review status: criteria provided, single submitter. Criteria: ACMG Guidelines, 2015. Collection method: clinical testing. Allele origin: germline. Not counted in ClinVar's aggregate classification.

Myriad Genetics, Inc.
Classification: Benign for Familial cancer of breast. Last evaluated: 2025-01-21. Review status: criteria provided, single submitter. Criteria: Myriad Autosomal Dominant, Autosomal Recessive and X-Linked Classification Criteria (2023). Collection method: clinical testing. Allele origin: unknown. Not counted in ClinVar's aggregate classification.
Comment: This variant is considered benign. This variant is strongly associated with less severe personal and family histories of cancer, typical for individuals without pathogenic variants in this gene [PMID: 25085752]. Homozygosity for this variant has been confirmed in one or more individuals lacking clinical features consistent with gene-specific recessive disease, indicating that this variant is unlikely to be pathogenic.

Blueprint Genetics
Classification: Benign. Last evaluated: 2024-11-20. Review status: criteria provided, single submitter. Criteria: ACMG Guidelines, 2015. Collection method: clinical testing. Allele origin: germline. Not counted in ClinVar's aggregate classification.

Quest Diagnostics Nichols Institute San Juan Capistrano
Classification: Benign. Last evaluated: 2021-07-20. Review status: criteria provided, single submitter. Criteria: Quest Diagnostics criteria. Collection method: clinical testing. Allele origin: unknown. Not counted in ClinVar's aggregate classification.

Genetic Services Laboratory, University of Chicago
Classification: Likely benign. Last evaluated: 2021-01-12. Review status: criteria provided, single submitter. Criteria: ACMG Guidelines, 2015. Collection method: clinical testing. Allele origin: germline. Affected: no. Not counted in ClinVar's aggregate classification.

Sema4
Classification: Likely benign for Hereditary cancer-predisposing syndrome. Last evaluated: 2020-12-31. Review status: criteria provided, single submitter. Criteria: Sema4 Curation Guidelines. Collection method: curation. Allele origin: germline. Not counted in ClinVar's aggregate classification.

GeneDx
Classification: Likely benign. Last evaluated: 2020-10-23. Review status: criteria provided, single submitter. Criteria: GeneDx Variant Classification Process June 2021. Collection method: clinical testing. Allele origin: germline. Affected: yes. Not counted in ClinVar's aggregate classification.
Comment: This variant is associated with the following publications: (PMID: 28825143, 21285249, 22241545, 25575445, 26283626, 23977390, 25356972, 26489409, 26692951, 27783279, 26411315, 27616075, 28580595, 27099641, 26757417, 28664506, 31159747, 31586400, 32566746, 32426482)

Genetics and Molecular Pathology, SA Pathology
Classification: Benign for Familial cancer of breast. Last evaluated: 2020-04-16. Review status: criteria provided, single submitter. Criteria: ACMG Guidelines, 2015. Collection method: clinical testing. Allele origin: germline. Affected: yes. Not counted in ClinVar's aggregate classification.

ARUP Laboratories, Molecular Genetics and Genomics, ARUP Laboratories
Classification: Likely benign. Last evaluated: 2019-09-04. Review status: criteria provided, single submitter. Criteria: ARUP Molecular Germline Variant Investigation Process. Collection method: clinical testing. Allele origin: germline. Not counted in ClinVar's aggregate classification.

Ambry Genetics
Classification: Likely benign for Hereditary cancer-predisposing syndrome. Last evaluated: 2019-06-27. Review status: criteria provided, single submitter. Criteria: Ambry Variant Classification Scheme 2023. Collection method: clinical testing. Allele origin: germline. Not counted in ClinVar's aggregate classification.

Cancer Genomics Group, Japanese Foundation For Cancer Research
Classification: Uncertain significance for Hereditary breast and ovarian cancer syndrome. Last evaluated: 2019-05-01. Review status: criteria provided, single submitter. Criteria: ACMG Guidelines, 2015. Collection method: research. Allele origin: germline. Affected: yes. Not counted in ClinVar's aggregate classification.

Women's Health and Genetics/Laboratory Corporation of America, LabCorp
Classification: Benign. Last evaluated: 2019-03-28. Review status: criteria provided, single submitter. Criteria: LabCorp Variant Classification Summary - May 2015. Collection method: clinical testing. Allele origin: germline. Not counted in ClinVar's aggregate classification.
Comment: Variant summary: PALB2 c.3054G>C (p.Glu1018Asp) results in a conservative amino acid change located in the Partner and localiser of BRCA2, WD40 domain (IPR031920) of the encoded protein sequence. Three of five in-silico tools predict a damaging effect of the variant on protein function. The variant allele was found at a frequency of 0.00037 in 281404 control chromosomes, predominantly at a frequency of 0.0052 within the East Asian subpopulation in the gnomAD database. The observed variant frequency within East Asian control individuals in the gnomAD database is approximately 33 fold of the estimated maximal expected allele frequency for a pathogenic variant in PALB2 causing Hereditary Breast and Ovarian Cancer phenotype (0.00016), strongly suggesting that the variant is a benign polymorphism found primarily in populations of East Asian origin. c.3054G>C has been reported in the literature predominantly in individuals of East Asian origin affected with Hereditary Breast and Ovarian Cancer (Casadei_2011, Tischkowitz_2012, Thompson_2015, Phuah_2013, Nguyen_Dumont_2015, Kraus_2017, Li_2015, Yang_2017). These report(s) do not provide unequivocal conclusions about association of the variant with Hereditary Breast and Ovarian Cancer. Co-occurrences with other pathogenic variant(s) have been reported in our internal testing database (BRCA1 c.2728delC, p.Gln910fsX90), providing supporting evidence for a benign role. To our knowledge, no experimental evidence demonstrating an impact on protein function has been reported. Seven clinical diagnostic laboratories have submitted clinical-significance assessments for this variant to ClinVar after 2014 without evidence for independent evaluation. Four of these classified the variant as Benign/Likely benign and three classified it as a VUS. Based on the evidence outlined above, the variant was classified as benign.

GeneKor MSA
Classification: Uncertain significance for Hereditary cancer-predisposing syndrome. Last evaluated: 2018-08-01. Review status: criteria provided, single submitter. Criteria: ACMG Guidelines, 2015. Collection method: clinical testing. Allele origin: germline. Affected: yes. Not counted in ClinVar's aggregate classification.

NM_024675.4(PALB2):c.3054G>C (p.Glu1018Asp)

Gene: PALB2 (partner and localizer of BRCA2; minus strand). Cytogenetic location: 16p12.2.
Variant type: single nucleotide variant.
Coding change: c.3054G>C on transcript NM_024675.4 (MANE Select); coding-DNA position 3054, G replaced by C.
Protein change: p.Glu1018Asp; replaces glutamic acid 1018 with aspartic acid.
Molecular consequence: missense variant.
Genome position (GRCh38, 1-based): chr16:23,621,421, C>G on the plus strand (G>C on the coding strand, the complement: PALB2 is on the minus strand). VCF-style: chr16-23621421-C-G. GRCh37 (hg19) VCF-style: chr16-23632742-C-G.
Other names: p.E1018D:GAG>GAC; NM_024675.3(PALB2):c.3054G>C; p.Glu1018Asp; short protein forms E1018D.
Identifiers: ClinVar variation 126708 (VCV000126708.59), dbSNP rs183489969, ClinGen allele CA294183.